The following is an entry in ClinVar:

NM_001017962.3(P4HA1):c.723T>G (p.Ala241=)

Gene: P4HA1 (prolyl 4-hydroxylase subunit alpha 1; minus strand). Cytogenetic location: 10q22.1.
Variant type: single nucleotide variant.
Coding change: c.723T>G on transcript NM_001017962.3 (MANE Select); coding-DNA position 723, T replaced by G.
Protein change: p.Ala241=; no amino-acid change (alanine 241 retained).
Molecular consequence: synonymous variant.
Genome position (GRCh38, 1-based): chr10:73,051,230, A>C on the plus strand (T>G on the coding strand, the complement: P4HA1 is on the minus strand). VCF-style: chr10-73051230-A-C. GRCh37 (hg19) VCF-style: chr10-74810988-A-C.
Other names: c.723T>G, p.Ala241= (NM_000917.4, NM_001142595.2, NM_001142596.2).
Identifiers: ClinVar variation 3048457 (VCV003048457.2), dbSNP rs2492816125, ClinGen allele CA470099846.
Genomic context (GRCh38, chr10:73,051,230, plus strand): 5'-AGACTTATTGACATCTTTTTCTTTAGCCATTATATACTCAAAATATTTTAAGTTACCATT[A>C]GCTCTCTGATGTTCAGGATCTATTAGAAGAGAAACAAAGCATGTCCATGGGTAAGTTCAT-3'
Protein context (NP_001017962.1, residues 231-251): LLELDPEHQR[Ala241=]NGNLKYFEYI

ClinVar aggregate classification (germline): Likely benign (0 of 4 stars; one submission).

Conditions:
P4HA1-related disorder. Also called: P4HA1-related condition.

Allele frequency attached by ClinVar (database versions not stated): gnomAD exomes below 0.00001.
gnomAD v4.1: 1 of 1,588,988 alleles (0.000063%); highest among the groups gnomAD compares: Non-Finnish European, 0.000086%; no homozygotes.

Submission:

PreventionGenetics, part of Exact Sciences
Classification: Likely benign for P4HA1-related condition. Last evaluated: 2019-03-22. Review status: no assertion criteria provided. Collection method: clinical testing. Allele origin: germline.
Comment: This variant is classified as likely benign based on ACMG/AMP sequence variant interpretation guidelines (Richards et al. 2015 PMID: 25741868, with internal and published modifications).